The following is an entry in ClinVar:

ClinVar aggregate classification (germline): Uncertain significance (1 of 4 stars; one submission).

Allele frequency attached by ClinVar (database versions not stated): gnomAD exomes below 0.00001; TOPMed 0.00005; ESP Exome Variant Server 0.00017.
gnomAD v4.1: 12 of 1,555,414 alleles (0.00077%); highest among the groups gnomAD compares: African/African-American, 0.016%; no homozygotes.

Submission:

Labcorp Genetics (formerly Invitae), Labcorp
Classification: Uncertain significance. Last evaluated: 2025-12-15. Review status: criteria provided, single submitter. Criteria: Invitae Variant Classification Sherloc (09022015). Collection method: clinical testing. Allele origin: germline.
Comment: This sequence change replaces glycine, which is neutral and non-polar, with alanine, which is neutral and non-polar, at codon 90 of the POC5 protein (p.Gly90Ala). The frequency data for this variant in the population databases is considered unreliable, as metrics indicate poor data quality at this position in the gnomAD database. This variant has not been reported in the literature in individuals affected with POC5-related conditions. ClinVar contains an entry for this variant (Variation ID: 2167640). An algorithm developed to predict the effect of missense changes on protein structure and function (PolyPhen-2) suggests that this variant is likely to be disruptive. In summary, the available evidence is currently insufficient to determine the role of this variant in disease. Therefore, it has been classified as a Variant of Uncertain Significance.

NM_001099271.2(POC5):c.269G>C (p.Gly90Ala)

Gene: POC5 (POC5 centriolar protein; minus strand). Cytogenetic location: 5q13.3.
Variant type: single nucleotide variant.
Coding change: c.269G>C on transcript NM_001099271.2 (MANE Select); coding-DNA position 269, G replaced by C.
Protein change: p.Gly90Ala; replaces glycine 90 with alanine.
Molecular consequence: missense variant.
Genome position (GRCh38, 1-based): chr5:75,705,742, C>G on the plus strand (G>C on the coding strand, the complement: POC5 is on the minus strand). VCF-style: chr5-75705742-C-G. GRCh37 (hg19) VCF-style: chr5-75001567-C-G.
Other names: c.194G>C, p.Gly65Ala (NM_152408.3); short protein forms G90A, G65A.
Identifiers: ClinVar variation 2167640 (VCV002167640.4), dbSNP rs192784670, ClinGen allele CA120984165.